The following is an entry in ClinVar:

NM_004006.3(DMD):c.3557A>T (p.Glu1186Val)

Gene: DMD (dystrophin; minus strand). Cytogenetic location: Xp21.1.
Variant type: single nucleotide variant.
Coding change: c.3557A>T on transcript NM_004006.3 (MANE Select); coding-DNA position 3557, A replaced by T.
Protein change: p.Glu1186Val; replaces glutamic acid 1186 with valine.
Molecular consequence: missense variant.
Genome position (GRCh38, 1-based): chrX:32,454,708, T>A on the plus strand (A>T on the coding strand, the complement: DMD is on the minus strand). VCF-style: chrX-32454708-T-A. GRCh37 (hg19) VCF-style: chrX-32472825-T-A.
Other names: c.3533A>T, p.Glu1178Val (NM_000109.4); c.3545A>T, p.Glu1182Val (NM_004009.3); c.3188A>T, p.Glu1063Val (NM_004010.3); short protein forms E1063V, E1178V, E1182V, E1186V.
Identifiers: ClinVar variation 1904825 (VCV001904825.4), dbSNP rs942471417, ClinGen allele CA327996966.
Genomic context (GRCh38, chrX:32,454,708, plus strand): 5'-TTTTTTTTTTTTACCTTCATCTCTTCAACTGCTTTCTGTAATTCATCTGGAGTTTTATAT[T>A]CAAAATCTCTCTCAAGATACTCTTCTTCAGCTTGTGTCATCCATTCGTGCATCTCTGATA-3'
Protein context (NP_003997.2, residues 1176-1196): AEEEYLERDF[Glu1186Val]YKTPDELQKA

ClinVar aggregate classification (germline): Uncertain significance (1 of 4 stars; one submission).

Conditions:
Duchenne muscular dystrophy (DMD). Also called: MUSCULAR DYSTROPHY, PSEUDOHYPERTROPHIC PROGRESSIVE, DUCHENNE TYPE; Duchenne Muscular Dystrophy (DMD). Identifiers: Orphanet 98896, MedGen C0013264, MONDO:0010679, OMIM 310200.

Allele frequency attached by ClinVar (database versions not stated): gnomAD exomes below 0.00001.
gnomAD v4.1: 2 of 1,202,693 alleles (0.00017%); highest among the groups gnomAD compares: Non-Finnish European, 0.00011%; no homozygotes.

Submission:

Labcorp Genetics (formerly Invitae), Labcorp
Classification: Uncertain significance for Duchenne muscular dystrophy. Last evaluated: 2025-03-25. Review status: criteria provided, single submitter. Criteria: Invitae Variant Classification Sherloc (09022015). Collection method: clinical testing. Allele origin: germline.
Comment: This sequence change replaces glutamic acid, which is acidic and polar, with valine, which is neutral and non-polar, at codon 1186 of the DMD protein (p.Glu1186Val). This variant is not present in population databases (gnomAD no frequency). This variant has not been reported in the literature in individuals affected with DMD-related conditions. ClinVar contains an entry for this variant (Variation ID: 1904825). Invitae Evidence Modeling of protein sequence and biophysical properties (such as structural, functional, and spatial information, amino acid conservation, physicochemical variation, residue mobility, and thermodynamic stability) indicates that this missense variant is not expected to disrupt DMD protein function with a negative predictive value of 95%. In summary, the available evidence is currently insufficient to determine the role of this variant in disease. Therefore, it has been classified as a Variant of Uncertain Significance.